The following is an entry in ClinVar:

ClinVar aggregate classification (germline): Likely benign. Review status: criteria provided, multiple submitters, no conflicts (2 of 4 stars). 3 submissions from 3 submitters: Likely benign (3). Last evaluated 2024-08-01.

Conditions:
Inborn genetic diseases. Identifiers: MedGen C0950123, MeSH D030342.

Allele frequency attached by ClinVar (database versions not stated): gnomAD exomes 0.00002 and 0.00001; gnomAD 0.00009 and 0.00011; TOPMed 0.00010; ExAC 0.00002; ESP Exome Variant Server 0.00015.
gnomAD v4.1: 30 of 1,613,898 alleles (0.0019%); highest among the groups gnomAD compares: African/African-American, 0.028%; no homozygotes.

Submissions (3):

CeGaT Center for Human Genetics Tuebingen
Classification: Likely benign. Last evaluated: 2024-08-01. Review status: criteria provided, single submitter. Criteria: CeGaT Center For Human Genetics Tuebingen Variant Classification Criteria Version 2. Collection method: clinical testing. Allele origin: germline. Affected: yes. Observed: 1 variant allele.
Comment: NSUN2: BP4, BP7

Ambry Genetics
Classification: Likely benign for Inborn genetic diseases. Last evaluated: 2017-05-03. Review status: criteria provided, single submitter. Criteria: Ambry Variant Classification Scheme 2023. Collection method: clinical testing. Allele origin: germline.

Genetic Services Laboratory, University of Chicago
Classification: Likely benign. Last evaluated: 2017-03-03. Review status: criteria provided, single submitter. Criteria: ACMG Guidelines, 2015. Collection method: clinical testing. Allele origin: germline. Affected: no.

NM_017755.6(NSUN2):c.2271C>T (p.Gly757=)

Gene: NSUN2 (NOP2/Sun RNA methyltransferase 2; minus strand). Cytogenetic location: 5p15.31.
Variant type: single nucleotide variant.
Coding change: c.2271C>T on transcript NM_017755.6 (MANE Select); coding-DNA position 2271, C replaced by T.
Protein change: p.Gly757=; no amino-acid change (glycine 757 retained).
Molecular consequence: synonymous variant. On other transcripts: non-coding transcript variant (1).
Genome position (GRCh38, 1-based): chr5:6,599,959, G>A on the plus strand (C>T on the coding strand, the complement: NSUN2 is on the minus strand). VCF-style: chr5-6599959-G-A. GRCh37 (hg19) VCF-style: chr5-6600072-G-A.
Other names: c.2166C>T, p.Gly722= (NM_001193455.2).
Identifiers: ClinVar variation 436085 (VCV000436085.26), dbSNP rs375443052, ClinGen allele CA3192135.
Genomic context (GRCh38, chr5:6,599,959, plus strand): 5'-TGTGGGCCCCCGCTGCCTTGGGCCTGCTCACCGGGGTGGATGGACCCCCGCCGGGTCACA[G>A]CCTGCTGTCACGTCTGGACTGTTGGCCTCTTCTGCATCTGGGCTGTTGGGCTCTCCTGCT-3'
Protein context (NP_060225.4, residues 747-767): EEANSPDVTA[Gly757=]CDPAGVHPPR